The following is an entry in ClinVar:

NM_000255.4(MMUT):c.1206T>G (p.Ala402=)

Gene: MMUT (methylmalonyl-CoA mutase; minus strand). Cytogenetic location: 6p12.3.
Variant type: single nucleotide variant.
Coding change: c.1206T>G on transcript NM_000255.4 (MANE Select); coding-DNA position 1206, T replaced by G.
Protein change: p.Ala402=; no amino-acid change (alanine 402 retained).
Molecular consequence: synonymous variant.
Genome position (GRCh38, 1-based): chr6:49,451,592, A>C on the plus strand (T>G on the coding strand, the complement: MMUT is on the minus strand). VCF-style: chr6-49451592-A-C. GRCh37 (hg19) VCF-style: chr6-49419305-A-C.
Identifiers: ClinVar variation 508748 (VCV000508748.9), dbSNP rs142539215, ClinGen allele CA3846943.

ClinVar aggregate classification (germline): Likely benign. Review status: criteria provided, multiple submitters, no conflicts (2 of 4 stars). 2 submissions from 2 submitters: Likely benign (2). Last evaluated 2025-07-21.

Allele frequency attached by ClinVar (database versions not stated): gnomAD 0.00001; TOPMed 0.00002; ExAC 0.00003; gnomAD exomes 0.00006; ESP Exome Variant Server 0.00008.
gnomAD v4.1: 19 of 1,614,162 alleles (0.0012%); highest among the groups gnomAD compares: Admixed American, 0.03%; no homozygotes.

Submissions (2):

Labcorp Genetics (formerly Invitae), Labcorp
Classification: Likely benign. Last evaluated: 2025-07-21. Review status: criteria provided, single submitter. Criteria: Invitae Variant Classification Sherloc (09022015). Collection method: clinical testing. Allele origin: germline.

GeneDx
Classification: Likely benign. Last evaluated: 2017-04-19. Review status: criteria provided, single submitter. Criteria: GeneDx Variant Classification (06012015). Collection method: clinical testing. Allele origin: germline. Affected: yes.
Comment: This variant is considered likely benign or benign based on one or more of the following criteria: it is a conservative change, it occurs at a poorly conserved position in the protein, it is predicted to be benign by multiple in silico algorithms, and/or has population frequency not consistent with disease.